The following is an entry in ClinVar:

ClinVar aggregate classification (germline): Likely pathogenic. Review status: reviewed by expert panel (3 of 4 stars). 4 submissions from 4 submitters: Likely pathogenic (1). 3 of the submissions do not count toward it. Last evaluated 2023-08-14.

Conditions:
Mitochondrial disease. Also called: Mitochondrial disorder; Mitochondrial disorders. Identifiers: Orphanet 68380, MedGen C0751651, MeSH D028361, MONDO:0044970.
Leigh syndrome (NULS). Also called: Leigh Disease; Subacute necrotizing encephalopathy; Necrotizing encephalopathy infantile subacute of Leigh; LEIGH SYNDROME, NUCLEAR; Leigh's syndrome; Leigh's necrotizing encephalopathy. Identifiers: Orphanet 506, MedGen C2931891, MONDO:0009723, OMIM 256000.
Dystonic disorder. Also called: Dystonia. Identifiers: MedGen C0013421, MONDO:0003441, HP:0001332.
Dysarthria. Identifiers: MedGen C0013362, HP:0001260.

Submissions (4):

ClinGen Mitochondrial Disease Nuclear and Mitochondrial  Variant Curation Expert Panel, ClinGen
Classification: Likely pathogenic for Mitochondrial disease. Last evaluated: 2023-08-14. Review status: reviewed by expert panel. Criteria: clingen mito disease acmg specifications v1-1. Collection method: curation. Allele origin: germline. Inheritance: Mitochondrial inheritance.
Comment: The m.14597A>G (p.I26T) variant in MT-ND6 has been reported in three unrelated individuals with primary mitochondrial disease (PS4_supporting; PMIDs: 31669237, 34045482, 26633545). The variant was reported to occur de novo in at least one case, however technical details and tissues tested were not provided (PMID: 26633545). This variant is present in population databases (absent in Mitomap GenBank sequences and gnomAD v3.1.2; one heteroplasmic occurrence in the Helix dataset; PM2_supporting). The computation predictor APOGEE predicts this variant to be deleterious (score 0.67 in APOGEE1 and 0.63 in APOGEE2; PP3). Cybrid studies support the functional impact of this variant (PS3_supporting; PMIDs: 34045482) as significantly reduced complex I activity, respiration rate, and ATP content in three cybrid fibroblast cell lines were demonstrated. Furthermore, complex I deficiency was noted in skin fibroblasts of an affected individual in whom nuclear DNA etiologies were excluded (PP4, PMID: 26741492). Complex I deficiency was also reported in muscle, however the activity of complex I was reported to be 0% in this tissue, raising concern for the validity of this result. A different amino acid change at this position has been reported (m.14596A>T, p.I26M), however this was classified as a variant of uncertain significance, precluding formal consideration of this as evidence of pathogenicity for the m.14597A>G (p.I26T) variant. In summary, this variant meets criteria to be classified as uncertain significance for primary mitochondrial disease however, after extensive discussion, this Expert Panel elected to modify the classification to likely pathogenic given the consistent biochemical phenotype, compelling functional validation, and that other nearby variants are highly concerning to be causative of primary mitochondrial disease. This classification was approved by the NICHD/NINDS U24 ClinGen Mitochondrial Disease Variant Curation Expert Panel on August 14, 2023. Mitochondrial DNA-specific ACMG/AMP criteria applied (PMID: 32906214): PM2_supporting, PS3_supporting, PS4_supporting, PP3, PP4.

Mendelics
Classification: Uncertain significance. Last evaluated: 2022-05-04. Review status: criteria provided, single submitter. Criteria: Mendelics Assertion Criteria 2019. Collection method: clinical testing. Allele origin: germline. Not counted in ClinVar's aggregate classification.

Wong Mito Lab, Molecular and Human Genetics, Baylor College of Medicine
Classification: Uncertain significance for Leigh syndrome. Last evaluated: 2019-10-17. Review status: criteria provided, single submitter. Criteria: Modified ACMG Guidelines (Unpublished). Collection method: clinical testing. Allele origin: germline. Not counted in ClinVar's aggregate classification.
Comment: The NC_012920.1:m.14597A>G (YP_003024037.1:p.Ile26Thr) variant in MTND6 gene is interpretated to be a Uncertain Significance variant based on the modified ACMG guidelines (unpublished). This variant meets the following evidence codes: PM9, PP6, PP7

Baylor Genetics
Classification: Likely pathogenic for Dystonia; Dysarthria. Last evaluated: 2014-01-22. Review status: criteria provided, single submitter. Criteria: Yang et al. 2013. Collection method: clinical testing. Allele origin: de novo. Inheritance: Mitochondrial inheritance. Affected: yes. Study: Adult_WES. Not counted in ClinVar's aggregate classification.
Comment: This same codon was affected in a family with Leber optic atrophy and hereditary spastic dystonia (PMID 8644732).

Literature cited by the submitters: PubMed 34045482 (cited by ClinGen Mitochondrial Disease Nuclear and Mitochondrial  Variant Curation Expert Panel, ClinGen); PubMed 26633545 (cited by Baylor Genetics).

NC_012920.1(MT-ND6):m.14597A>G

Gene: MT-ND6 (mitochondrially encoded NADH dehydrogenase 6; minus strand).
Variant type: single nucleotide variant.
Genome position: chrM-14597-A-G.
Identifiers: ClinVar variation 209173 (VCV000209173.5), dbSNP rs797045055, ClinGen allele CA250381.